The following is an entry in ClinVar:

ClinVar aggregate classification (germline): Uncertain significance (1 of 4 stars; one submission).

Allele frequency attached by ClinVar (database versions not stated): gnomAD exomes 0.00001; ExAC 0.00002; gnomAD 0.00003; TOPMed 0.00003; ESP Exome Variant Server 0.00008.
gnomAD v4.1: 25 of 1,612,068 alleles (0.0016%); highest among the groups gnomAD compares: Admixed American, 0.0067%; no homozygotes.

Submission:

Labcorp Genetics (formerly Invitae), Labcorp
Classification: Uncertain significance. Last evaluated: 2022-05-16. Review status: criteria provided, single submitter. Criteria: Invitae Variant Classification Sherloc (09022015). Collection method: clinical testing. Allele origin: germline.
Comment: This sequence change replaces alanine, which is neutral and non-polar, with threonine, which is neutral and polar, at codon 581 of the ANK3 protein (p.Ala581Thr). This variant is present in population databases (rs140324936, gnomAD 0.009%). This variant has not been reported in the literature in individuals affected with ANK3-related conditions. Algorithms developed to predict the effect of missense changes on protein structure and function are either unavailable or do not agree on the potential impact of this missense change (SIFT: "Not Available"; PolyPhen-2: "Possibly Damaging"; Align-GVGD: "Not Available"). In summary, the available evidence is currently insufficient to determine the role of this variant in disease. Therefore, it has been classified as a Variant of Uncertain Significance.

NM_020987.5(ANK3):c.1741G>A (p.Ala581Thr)

Gene: ANK3 (ankyrin 3; minus strand). Cytogenetic location: 10q21.2.
Variant type: single nucleotide variant.
Coding change: c.1741G>A on transcript NM_020987.5 (MANE Select); coding-DNA position 1741, G replaced by A.
Protein change: p.Ala581Thr; replaces alanine 581 with threonine.
Molecular consequence: missense variant.
Genome position (GRCh38, 1-based): chr10:60,196,574, C>T on the plus strand (G>A on the coding strand, the complement: ANK3 is on the minus strand). VCF-style: chr10-60196574-C-T. GRCh37 (hg19) VCF-style: chr10-61956332-C-T.
Other names: c.1723G>A, p.Ala575Thr (NM_001204403.2); c.1690G>A, p.Ala564Thr (NM_001204404.2); c.1741G>A, p.Ala581Thr (NM_001320874.2); short protein forms A564T, A575T, A581T.
Identifiers: ClinVar variation 2196986 (VCV002196986.4), dbSNP rs140324936, ClinGen allele CA5513045.